The following is an entry in ClinVar:

ClinVar aggregate classification (germline): Conflicting classifications of pathogenicity. Review status: criteria provided, conflicting classifications (1 of 4 stars). 7 submissions from 7 submitters: Uncertain significance (3); Benign (1); Likely benign (1). 2 of the submissions do not count toward it. Last evaluated 2026-05-01.

Conditions:
PROS1-related disorder. Also called: PROS1-related condition.
Retinal dystrophy. Also called: Inherited retinal dystrophy. Identifiers: Orphanet 71862, MedGen C0854723, MeSH D058499, MONDO:0019118, HP:0000556.
Thrombophilia due to protein S deficiency, autosomal dominant (THPH5). Identifiers: Orphanet 26349, Orphanet 743, MedGen C3278211, MONDO:0012868, OMIM 612336. Disease mechanism: loss of function.
Thrombophilia due to protein S deficiency, autosomal recessive (THPH6). Identifiers: Orphanet 743, MedGen C3281092, MONDO:0013791, OMIM 614514. Disease mechanism: loss of function.

Allele frequency attached by ClinVar (database versions not stated): gnomAD 0.00029 and 0.00043; TOPMed 0.00035; ESP Exome Variant Server 0.00038; ExAC 0.00076; 1000 Genomes Project 30x 0.00078; 1000 Genomes Project 0.00100.
gnomAD v4.1: 1,018 of 1,614,106 alleles (0.063%); highest among the groups gnomAD compares: Middle Eastern, 0.33%; 4 homozygotes.

Submissions (7):

CeGaT Center for Human Genetics Tuebingen
Classification: Likely benign. Last evaluated: 2026-05-01. Review status: criteria provided, single submitter. Criteria: CeGaT Center For Human Genetics Tuebingen Variant Classification Criteria Version 2. Collection method: clinical testing. Allele origin: germline. Affected: yes. Observed: 2 variant alleles.
Comment: PROS1: BS2

Labcorp Genetics (formerly Invitae), Labcorp
Classification: Benign for Thrombophilia due to protein S deficiency, autosomal recessive. Last evaluated: 2026-01-28. Review status: criteria provided, single submitter. Criteria: Invitae Variant Classification Sherloc (09022015). Collection method: clinical testing. Allele origin: germline.

Institute of Human Genetics, Univ. Regensburg, Univ. Regensburg
Classification: Uncertain significance for Retinal dystrophy. Last evaluated: 2023-01-01. Review status: criteria provided, single submitter. Criteria: ACMG Guidelines, 2015. Collection method: clinical testing. Allele origin: germline. Affected: yes.

Illumina Laboratory Services, Illumina
Classification: Uncertain significance for Thrombophilia due to protein S deficiency, autosomal dominant. Last evaluated: 2017-04-27. Review status: criteria provided, single submitter. Criteria: ICSL Variant Classification Criteria 13 December 2019. Collection method: clinical testing. Allele origin: germline.

CSER _CC_NCGL, University of Washington
Classification: Uncertain significance for Protein S deficiency. Last evaluated: 2014-06-01. Review status: criteria provided, single submitter. Criteria: Amendola et al. (Genome Res. 2015). Collection method: research. Allele origin: germline. Inheritance: Autosomal dominant inheritance. Study: ESP 6500 variant annotation.
Comment: Low GERP score may suggest that this variant may belong in a lower pathogenicity class

Variants classified for the Actionable exomic incidental findings in 6503 participants: challenges of variant classification manuscript

Department of Transfusion Medicine and Hemostaseology, University Hospital Erlangen
Classification: Likely pathogenic for Thrombophilia due to protein S deficiency, autosomal dominant. Last evaluated: 2025-09-01. Review status: no assertion criteria provided. Collection method: clinical testing. Allele origin: germline. Not counted in ClinVar's aggregate classification.
Comment: This variant was identified during a screening of patients with suspected hereditary Protein S deficiency. It has been described in the literature as correlating with protein S deficiency (PMID: 7803790, 15712227) and has been characterized in vitro as causative for Protein S deficiency (PMID: 11019964). According to dbSNP it represents a very rare genetic alteration, previously detected in the European population in heterozygous state only according to the Allele Frequency Aggregator dataset. Several in silico variant effect prediction tools (PolyPhen-2, SIFT, AlphaMissense) classify this variant as likely benign. Taken together, we classified this variant as likely pathogenic.

PreventionGenetics, part of Exact Sciences
Classification: Likely benign for PROS1-related condition. Last evaluated: 2023-12-21. Review status: no assertion criteria provided. Collection method: clinical testing. Allele origin: germline. Not counted in ClinVar's aggregate classification.
Comment: This variant is classified as likely benign based on ACMG/AMP sequence variant interpretation guidelines (Richards et al. 2015 PMID: 25741868, with internal and published modifications).

Literature cited by the submitters: PubMed 7803790 (cited by Institute of Human Genetics, Univ. Regensburg, Univ. Regensburg and Department of Transfusion Medicine and Hemostaseology, University Hospital Erlangen); PubMed 24055113 (cited by Institute of Human Genetics, Univ. Regensburg, Univ. Regensburg); PubMed 24014240 (cited by Institute of Human Genetics, Univ. Regensburg, Univ. Regensburg); PubMed 25637381 (cited by Institute of Human Genetics, Univ. Regensburg, Univ. Regensburg); PubMed 34426522 (cited by Institute of Human Genetics, Univ. Regensburg, Univ. Regensburg); PubMed 15712227 (cited by Department of Transfusion Medicine and Hemostaseology, University Hospital Erlangen); PubMed 11019964 (cited by Department of Transfusion Medicine and Hemostaseology, University Hospital Erlangen).

NM_000313.4(PROS1):c.431C>A (p.Thr144Asn)

Gene: PROS1 (protein S; minus strand). Cytogenetic location: 3q11.1.
Variant type: single nucleotide variant.
Coding change: c.431C>A on transcript NM_000313.4 (MANE Select); coding-DNA position 431, C replaced by A.
Protein change: p.Thr144Asn; replaces threonine 144 with asparagine.
Molecular consequence: missense variant.
Genome position (GRCh38, 1-based): chr3:93,906,059, G>T on the plus strand (C>A on the coding strand, the complement: PROS1 is on the minus strand). VCF-style: chr3-93906059-G-T. GRCh37 (hg19) VCF-style: chr3-93624903-G-T.
Other names: c.527C>A, p.Thr176Asn (NM_001314077.2); short protein forms T144N, T176N.
Identifiers: ClinVar variation 161347 (VCV000161347.52), dbSNP rs146366248, ClinGen allele CA211742.